The following is an entry in ClinVar:

NM_005708.5(GPC6):c.*4547G>T

Gene: GPC6 (glypican 6; plus strand). Cytogenetic location: 13q32.1.
Variant type: single nucleotide variant.
Coding change: c.*4547G>T on transcript NM_005708.5 (MANE Select); 4547 bases downstream of the stop codon, G replaced by T.
Molecular consequence: 3 prime UTR variant.
Genome position (GRCh38, 1-based): chr13:94,407,764, G>T. VCF-style: chr13-94407764-G-T. GRCh37 (hg19) VCF-style: chr13-95060018-G-T.
Identifiers: ClinVar variation 312610 (VCV000312610.5), dbSNP rs190534645, ClinGen allele CA10644918.

ClinVar aggregate classification (germline): Benign (1 of 4 stars; one submission).

Conditions:
Autosomal recessive omodysplasia (OMOD1). Also called: MICROMELIC DYSPLASIA, CONGENITAL, WITH DISLOCATION OF RADIUS. Identifiers: Orphanet 2733, Orphanet 93329, MedGen C1850318, MONDO:0009779, OMIM 258315.

Allele frequency attached by ClinVar (database versions not stated): gnomAD 0.00158 and 0.00172; TOPMed 0.00269; 1000 Genomes Project 0.00419; 1000 Genomes Project 30x 0.00500.
gnomAD v4.1: 256 of 152,246 alleles (0.17%); highest among the groups gnomAD compares: Admixed American, 1.6%; 2 homozygotes.

Submission:

Illumina Laboratory Services, Illumina
Classification: Benign for Autosomal recessive omodysplasia. Last evaluated: 2018-01-12. Review status: criteria provided, single submitter. Criteria: ICSL Variant Classification Criteria 13 December 2019. Collection method: clinical testing. Allele origin: germline.
Comment: This variant was observed in the ICSL laboratory as part of a predisposition screen in an ostensibly healthy population. It had not been previously curated by ICSL or reported in the Human Gene Mutation Database (HGMD: prior to June 1st, 2018), and was therefore a candidate for classification through an automated scoring system. Utilizing variant allele frequency, disease prevalence and penetrance estimates, and inheritance mode, an automated score was calculated to assess if this variant is too frequent to cause the disease. Based on the score and internal cut-off values, a variant classified as benign is not then subjected to further curation. The score for this variant resulted in a classification of benign for this disease.